The following is an entry in ClinVar:

NM_177438.3(DICER1):c.1237A>C (p.Ser413Arg)

Gene: DICER1 (dicer 1, ribonuclease III; minus strand). Cytogenetic location: 14q32.13.
Variant type: single nucleotide variant.
Coding change: c.1237A>C on transcript NM_177438.3 (MANE Select); coding-DNA position 1237, A replaced by C.
Protein change: p.Ser413Arg; replaces serine 413 with arginine.
Molecular consequence: missense variant.
Genome position (GRCh38, 1-based): chr14:95,124,335, T>G on the plus strand (A>C on the coding strand, the complement: DICER1 is on the minus strand). VCF-style: chr14-95124335-T-G. GRCh37 (hg19) VCF-style: chr14-95590672-T-G.
Other names: c.1237A>C, p.Ser413Arg (NM_001195573.1, NM_001271282.3, NM_001291628.2 and 1 more transcripts); short protein forms S413R.
Identifiers: ClinVar variation 483454 (VCV000483454.15), dbSNP rs1555374678, ClinGen allele CA390886562.

ClinVar aggregate classification (germline): Uncertain significance. Review status: criteria provided, multiple submitters, no conflicts (2 of 4 stars). 2 submissions from 2 submitters: Uncertain significance (2). Last evaluated 2025-01-28.

Conditions:
DICER1-related tumor predisposition. Also called: DICER1-related pleuropulmonary blastoma cancer predisposition syndrome; DICER1 syndrome. Identifiers: Orphanet 284343, MedGen C3839822, MONDO:0100216.
Hereditary cancer-predisposing syndrome. Also called: Hereditary neoplastic syndrome; Neoplastic Syndromes, Hereditary; Tumor predisposition; Hereditary Cancer Syndrome. Identifiers: Orphanet 140162, MedGen C0027672, MeSH D009386, MONDO:0015356.

Submissions (2):

Labcorp Genetics (formerly Invitae), Labcorp
Classification: Uncertain significance for DICER1-related tumor predisposition. Last evaluated: 2025-01-28. Review status: criteria provided, single submitter. Criteria: Invitae Variant Classification Sherloc (09022015). Collection method: clinical testing. Allele origin: germline.
Comment: This sequence change replaces serine, which is neutral and polar, with arginine, which is basic and polar, at codon 413 of the DICER1 protein (p.Ser413Arg). This variant is not present in population databases (gnomAD no frequency). This variant has not been reported in the literature in individuals affected with DICER1-related conditions. ClinVar contains an entry for this variant (Variation ID: 483454). Invitae Evidence Modeling of protein sequence and biophysical properties (such as structural, functional, and spatial information, amino acid conservation, physicochemical variation, residue mobility, and thermodynamic stability) indicates that this missense variant is not expected to disrupt DICER1 protein function with a negative predictive value of 95%. In summary, the available evidence is currently insufficient to determine the role of this variant in disease. Therefore, it has been classified as a Variant of Uncertain Significance.

Ambry Genetics
Classification: Uncertain significance for Hereditary cancer-predisposing syndrome. Last evaluated: 2020-01-17. Review status: criteria provided, single submitter. Criteria: Ambry Variant Classification Scheme 2023. Collection method: clinical testing. Allele origin: germline.
Comment: The p.S413R variant (also known as c.1237A>C), located in coding exon 7 of the DICER1 gene, results from an A to C substitution at nucleotide position 1237. The serine at codon 413 is replaced by arginine, an amino acid with dissimilar properties. This amino acid position is highly conserved in available vertebrate species. In addition, the in silico prediction for this alteration is inconclusive. Since supporting evidence is limited at this time, the clinical significance of this alteration remains unclear.